The following is an entry in ClinVar:

NM_021999.5(ITM2B):c.286G>A (p.Asp96Asn)

Gene: ITM2B (integral membrane protein 2B; plus strand). Cytogenetic location: 13q14.2.
Variant type: single nucleotide variant.
Coding change: c.286G>A on transcript NM_021999.5 (MANE Select); coding-DNA position 286, G replaced by A.
Protein change: p.Asp96Asn; replaces aspartic acid 96 with asparagine.
Molecular consequence: missense variant.
Genome position (GRCh38, 1-based): chr13:48,256,216, G>A. VCF-style: chr13-48256216-G-A. GRCh37 (hg19) VCF-style: chr13-48830352-G-A.
Other names: short protein forms D96N.
Identifiers: ClinVar variation 4769754 (VCV004769754.1).

ClinVar aggregate classification (germline): Uncertain significance (1 of 4 stars; one submission).

Submission:

Labcorp Genetics (formerly Invitae), Labcorp
Classification: Uncertain significance. Last evaluated: 2025-08-02. Review status: criteria provided, single submitter. Criteria: Invitae Variant Classification Sherloc (09022015). Collection method: clinical testing. Allele origin: germline.
Comment: This sequence change replaces aspartic acid, which is acidic and polar, with asparagine, which is neutral and polar, at codon 96 of the ITM2B protein (p.Asp96Asn). This variant is not present in population databases (gnomAD no frequency). This variant has not been reported in the literature in individuals affected with ITM2B-related conditions. An algorithm developed to predict the effect of missense changes on protein structure and function (PolyPhen-2) suggests that this variant is likely to be disruptive. In summary, the available evidence is currently insufficient to determine the role of this variant in disease. Therefore, it has been classified as a Variant of Uncertain Significance.